The following is an entry in ClinVar:

NM_006514.4(SCN10A):c.3748C>T (p.Arg1250Ter)

Gene: SCN10A (sodium voltage-gated channel alpha subunit 10; minus strand). Cytogenetic location: 3p22.2.
Variant type: single nucleotide variant.
Coding change: c.3748C>T on transcript NM_006514.4 (MANE Select); coding-DNA position 3748, C replaced by T.
Protein change: p.Arg1250Ter; replaces arginine 1250 with a stop codon.
Molecular consequence: nonsense.
Genome position (GRCh38, 1-based): chr3:38,714,014, G>A on the plus strand (C>T on the coding strand, the complement: SCN10A is on the minus strand). VCF-style: chr3-38714014-G-A. GRCh37 (hg19) VCF-style: chr3-38755505-G-A.
Other names: c.3745C>T, p.Arg1249Ter (NM_001293306.2); c.3454C>T, p.Arg1152Ter (NM_001293307.2); short protein forms R1250*, R1152*, R1249*.
Identifiers: ClinVar variation 938492 (VCV000938492.7), dbSNP rs202134330, ClinGen allele CA2320134.
Genomic context (GRCh38, chr3:38,714,014, plus strand): 5'-TTACCCGCATGCCTTCAAATCGAGAAAGAGCCCGCAGTGGCCGCAGAGCGCGAAGGGTTC[G>A]AAGGGCTTTGATGGGAGCCACTTCAGAATATTCCAGAATCTTCGCTGTGAGACTTATCAG-3'

ClinVar aggregate classification (germline): Uncertain significance. Review status: criteria provided, multiple submitters, no conflicts (2 of 4 stars). 3 submissions from 3 submitters: Uncertain significance (3). Last evaluated 2022-10-03.

Conditions:
Episodic pain syndrome, familial, 2 (FEPS2). Identifiers: Orphanet 306577, MedGen C3809893, MONDO:0014246, OMIM 615551.
Cardiovascular phenotype. Identifiers: MedGen CN230736.
Brugada syndrome. Also called: Sudden unexplained nocturnal death syndrome; Sudden Unexplained Death Syndrome; Sudden Unexplained Nocturnal Death Syndrome (SUNDS); Sudden unexpected nocturnal death syndrome. Identifiers: Orphanet 130, MedGen C1142166, MONDO:0015263.

Allele frequency attached by ClinVar (database versions not stated): 1000 Genomes Project 30x 0.00016; gnomAD exomes 0.00001; TOPMed 0.00001; 1000 Genomes Project 0.00020; ExAC 0.00002.
gnomAD v4.1: 9 of 1,614,156 alleles (0.00056%); highest among the groups gnomAD compares: South Asian, 0.0011%; no homozygotes.

Submissions (3):

Department of Pathology and Laboratory Medicine, Sinai Health System
Classification: Uncertain significance for Episodic pain syndrome, familial, 2. Last evaluated: 2022-10-03. Review status: criteria provided, single submitter. Criteria: ACMG Guidelines, 2015. Collection method: research. Allele origin: germline.

Ambry Genetics
Classification: Uncertain significance for Cardiovascular phenotype. Last evaluated: 2022-01-05. Review status: criteria provided, single submitter. Criteria: Ambry Variant Classification Scheme 2023. Collection method: clinical testing. Allele origin: germline.
Comment: The p.R1250* variant (also known as c.3748C>T), located in coding exon 21 of the SCN10A gene, results from a C to T substitution at nucleotide position 3748. This changes the amino acid from an arginine to a stop codon within coding exon 21. This alteration is expected to result in loss of function by premature protein truncation or nonsense-mediated mRNA decay. However, loss of function of SCN10A has not been clearly established as a mechanism of disease, and the evidence for this gene-disease relationship is limited; therefore, the clinical significance of this alteration is unclear.

Labcorp Genetics (formerly Invitae), Labcorp
Classification: Uncertain significance for Brugada syndrome. Last evaluated: 2021-11-17. Review status: criteria provided, single submitter. Criteria: Invitae Variant Classification Sherloc (09022015). Collection method: clinical testing. Allele origin: germline.
Comment: This sequence change creates a premature translational stop signal (p.Arg1250*) in the SCN10A gene. It is expected to result in an absent or disrupted protein product. However, the current clinical and genetic evidence is not sufficient to establish whether loss-of-function variants in SCN10A cause disease. This variant is present in population databases (rs202134330, gnomAD 0.003%). This variant has not been reported in the literature in individuals affected with SCN10A-related conditions. ClinVar contains an entry for this variant (Variation ID: 938492). In summary, the available evidence is currently insufficient to determine the role of this variant in disease. Therefore, it has been classified as a Variant of Uncertain Significance.